The following is an entry in ClinVar:

NM_001134407.3(GRIN2A):c.3307C>T (p.Arg1103Cys)

Gene: GRIN2A (glutamate ionotropic receptor NMDA type subunit 2A; minus strand). Cytogenetic location: 16p13.2.
Variant type: single nucleotide variant.
Coding change: c.3307C>T on transcript NM_001134407.3 (MANE Select); coding-DNA position 3307, C replaced by T.
Protein change: p.Arg1103Cys; replaces arginine 1103 with cysteine.
Molecular consequence: missense variant.
Genome position (GRCh38, 1-based): chr16:9,764,237, G>A on the plus strand (C>T on the coding strand, the complement: GRIN2A is on the minus strand). VCF-style: chr16-9764237-G-A. GRCh37 (hg19) VCF-style: chr16-9858094-G-A.
Other names: p.R1103C:CGC>TGC; c.3307C>T, p.Arg1103Cys (NM_000833.5, NM_001134408.2); short protein forms R1103C.
Identifiers: ClinVar variation 205668 (VCV000205668.5), dbSNP rs748879665, ClinGen allele CA314968.
Genomic context (GRCh38, chr16:9,764,237, plus strand): 5'-CACCATCTATAGTGTAGATCTTGTCTCTAGGGGAGCTTGATTTGGTTTTCAGGTAGGTGC[G>A]CTCGACCTCACTACAGTCCTTGGGGTATTTGGAGGCCACTGACCTTTTAAAGTTGTCCTT-3'
Protein context (NP_001127879.1, residues 1093-1113): KYPKDCSEVE[Arg1103Cys]TYLKTKSSSP

ClinVar aggregate classification (germline): Conflicting classifications of pathogenicity. Review status: criteria provided, conflicting classifications (1 of 4 stars). 2 submissions from 2 submitters: Uncertain significance (1); Likely benign (1). Last evaluated 2025-06-25.

Conditions:
Landau-Kleffner syndrome (FESD). Also called: APHASIA, ACQUIRED, WITH EPILEPSY; EPILEPSY, FOCAL, WITH SPEECH DISORDER AND WITH OR WITHOUT MENTAL RETARDATION. Identifiers: Orphanet 1945, Orphanet 725, Orphanet 98818, MedGen C0282512, MONDO:0009509, OMIM 245570.

Allele frequency attached by ClinVar (database versions not stated): gnomAD exomes below 0.00001; ExAC 0.00001.
gnomAD v4.1: 3 of 1,613,800 alleles (0.00019%); highest among the groups gnomAD compares: Non-Finnish European, 0.00025%; no homozygotes.

Submissions (2):

Labcorp Genetics (formerly Invitae), Labcorp
Classification: Likely benign for Landau-Kleffner syndrome. Last evaluated: 2025-06-25. Review status: criteria provided, single submitter. Criteria: Invitae Variant Classification Sherloc (09022015). Collection method: clinical testing. Allele origin: germline.

GeneDx
Classification: Uncertain significance. Last evaluated: 2014-06-04. Review status: criteria provided, single submitter. Criteria: GeneDx Variant Classification (06012015). Collection method: clinical testing. Allele origin: germline. Affected: yes.
Comment: p.Arg1103Cys (CGC>TGC): c.3307 C>T in exon 14 of the GRIN2A gene (NM_000833.3). The R1103C variant has not been published as a mutation, nor has it been reported as a benign polymorphism to our knowledge. It was not observed in approximately 6,500 individuals of European and African American ancestry in the NHLBI Exome Sequencing Project, indicating it is not a common benign variant in these populations. The R1103C variant is a non-conservative amino acid substitution, which is likely to impact secondary protein structure as these residues differ in polarity, charge, size and/or other properties. In silico analysis predicts this variant is probably damaging to the protein structure/function. This substitution alters a position that is conserved across mammals in the C-terminal cytoplasmic domain of the GRIN2A protein; however, Leucine is observed at this position in distantly related species in evolution. Additionally, missense mutations in nearby residues have not been reported in association with GRIN2A-related disorders. Therefore, based on the currently available information, it is unclear whether this variant is a pathogenic mutation or a rare benign variant. The variant is found in EPILEPSY panel(s).